The following is an entry in ClinVar:

NM_001378454.1(ALMS1):c.6319C>T (p.Gln2107Ter)

Gene: ALMS1 (ALMS1 centrosome and basal body associated protein; plus strand). Cytogenetic location: 2p13.1.
Variant type: single nucleotide variant.
Coding change: c.6319C>T on transcript NM_001378454.1 (MANE Select); coding-DNA position 6319, C replaced by T.
Protein change: p.Gln2107Ter; replaces glutamine 2107 with a stop codon.
Molecular consequence: nonsense.
Genome position (GRCh38, 1-based): chr2:73,452,846, C>T. VCF-style: chr2-73452846-C-T. GRCh37 (hg19) VCF-style: chr2-73679973-C-T.
Other names: c.6322C>T, p.Gln2108Ter (NM_015120.4); short protein forms Q2108*, Q2107*.
Identifiers: ClinVar variation 1929272 (VCV001929272.7), dbSNP rs2466108740, ClinGen allele CA347285666.

ClinVar aggregate classification (germline): Pathogenic/Likely pathogenic. Review status: criteria provided, multiple submitters, no conflicts (2 of 4 stars). 3 submissions from 3 submitters: Pathogenic (2); Likely pathogenic (1). Last evaluated 2025-10-07.

Conditions:
Alstrom syndrome (ALMS). Identifiers: Orphanet 64, MedGen C0268425, MONDO:0008763, OMIM 203800.

Submissions (3):

Labcorp Genetics (formerly Invitae), Labcorp
Classification: Pathogenic for Alstrom syndrome. Last evaluated: 2025-10-07. Review status: criteria provided, single submitter. Criteria: Invitae Variant Classification Sherloc (09022015). Collection method: clinical testing. Allele origin: germline.
Comment: This sequence change creates a premature translational stop signal (p.Gln2108*) in the ALMS1 gene. It is expected to result in an absent or disrupted protein product. Loss-of-function variants in ALMS1 are known to be pathogenic (PMID: 17594715). This variant is not present in population databases (gnomAD no frequency). This premature translational stop signal has been observed in individual(s) with Leber congenital amaurosis (PMID: 31630094). This variant is also known as p.Q2106X. ClinVar contains an entry for this variant (Variation ID: 1929272). For these reasons, this variant has been classified as Pathogenic.

Natera, Inc.
Classification: Likely pathogenic for Alstrom syndrome. Last evaluated: 2025-05-27. Review status: criteria provided, single submitter. Criteria: Natera Variant Classification Schema (03/2026). Collection method: clinical testing. Allele origin: germline.
Comment: The c.6322C>T variant in ALMS1 is a nonsense variant predicted to introduce a stop codon at amino acid 2108. This variant is expected to result in nonsense mediated decay, truncation, or a dysfunctional protein product. This variant is rare in the general population with a frequency below the threshold expected for the associated phenotype(s). Given the available evidence, this variant is classified as Likely Pathogenic.

GeneDx
Classification: Pathogenic. Last evaluated: 2023-06-05. Review status: criteria provided, single submitter. Criteria: GeneDx Variant Classification Process June 2021. Collection method: clinical testing. Allele origin: germline. Affected: yes.
Comment: Nonsense variant predicted to result in protein truncation or nonsense mediated decay in a gene for which loss-of-function is a known mechanism of disease; Not observed at significant frequency in large population cohorts (gnomAD); Reported with another ALMS1 variant in a proband with Leber congenital amaurosis, photophobia, and nystagmus, but no other clinical information was provided and it is not known whether the variants occurred on the same (in cis) or on different (in trans) chromosomes (Xu et al., 2020); This variant is associated with the following publications: (PMID: 31630094)

Literature cited by the submitters: PubMed 17594715 (cited by Labcorp Genetics (formerly Invitae), Labcorp); PubMed 31630094 (cited by Labcorp Genetics (formerly Invitae), Labcorp).